The following is an entry in ClinVar:

ClinVar aggregate classification (germline): Uncertain significance (1 of 4 stars; one submission).

Conditions:
Inborn genetic diseases. Identifiers: MedGen C0950123, MeSH D030342.

Allele frequency attached by ClinVar (database versions not stated): gnomAD exomes below 0.00001; TOPMed below 0.00001.
gnomAD v4.1: 1 of 1,612,460 alleles (0.000062%); highest among the groups gnomAD compares: Non-Finnish European, 0.000085%; no homozygotes.

Submission:

Ambry Genetics
Classification: Uncertain significance for Inborn genetic diseases. Last evaluated: 2024-10-11. Review status: criteria provided, single submitter. Criteria: Ambry Variant Classification Scheme 2023. Collection method: clinical testing. Allele origin: germline.
Comment: The p.G819S variant (also known as c.2455G>A), located in coding exon 19 of the LRRK2 gene, results from a G to A substitution at nucleotide position 2455. The glycine at codon 819 is replaced by serine, an amino acid with similar properties. This amino acid position is conserved. In addition, this alteration is predicted to be tolerated by in silico analysis. Since supporting evidence is limited at this time, the clinical significance of this alteration remains unclear.

NM_198578.4(LRRK2):c.2455G>A (p.Gly819Ser)

Gene: LRRK2 (leucine rich repeat kinase 2; plus strand). Cytogenetic location: 12q12.
Variant type: single nucleotide variant.
Coding change: c.2455G>A on transcript NM_198578.4 (MANE Select); coding-DNA position 2455, G replaced by A.
Protein change: p.Gly819Ser; replaces glycine 819 with serine.
Molecular consequence: missense variant.
Genome position (GRCh38, 1-based): chr12:40,284,088, G>A. VCF-style: chr12-40284088-G-A. GRCh37 (hg19) VCF-style: chr12-40677890-G-A.
Other names: short protein forms G819S.
Identifiers: ClinVar variation 1791543 (VCV001791543.3), dbSNP rs1592221016, ClinGen allele CA384407362.